The following is an entry in ClinVar:

ClinVar aggregate classification (germline): Likely pathogenic. Review status: criteria provided, single submitter (1 of 4 stars). 2 submissions from 2 submitters: Likely pathogenic (1). 1 of the submissions does not count toward it. Last evaluated 2023-08-03.

Conditions:
Spinocerebellar ataxia type 14 (SCA14). Identifiers: Orphanet 98763, MedGen C1854369, MONDO:0011540, OMIM 605361.

Submissions (2):

GeneDx
Classification: Likely pathogenic. Last evaluated: 2023-08-03. Review status: criteria provided, single submitter. Criteria: GeneDx Variant Classification Process June 2021. Collection method: clinical testing. Allele origin: germline. Affected: yes.
Comment: Published functional studies demonstrate a damaging effect, with the R41P variant causing significantly increased cellular aggregation and cytotoxicity (Seki et al., 2011); Not observed at significant frequency in large population cohorts (gnomAD); In silico analysis supports that this missense variant has a deleterious effect on protein structure/function; This variant is associated with the following publications: (PMID: 15824357, 21666345, 26147798)

GeneReviews
Classification: Pathogenic for Spinocerebellar Ataxia Type14. Last evaluated: 2013-04-18. Review status: no assertion criteria provided. Collection method: curation. Allele origin: unknown. Not counted in ClinVar's aggregate classification.
ClinVar note: Converted during submission from pathologic to Pathogenic.

NM_002739.5(PRKCG):c.122G>C (p.Arg41Pro)

Gene: PRKCG (protein kinase C gamma; plus strand). Cytogenetic location: 19q13.42.
Variant type: single nucleotide variant.
Coding change: c.122G>C on transcript NM_002739.5 (MANE Select); coding-DNA position 122, G replaced by C.
Protein change: p.Arg41Pro; replaces arginine 41 with proline.
Molecular consequence: missense variant.
Genome position (GRCh38, 1-based): chr19:53,882,616, G>C. VCF-style: chr19-53882616-G-C. GRCh37 (hg19) VCF-style: chr19-54385870-G-C.
Other names: c.122g>c; c.122G>C, p.Arg41Pro (NM_001316329.2); c.122G>C (NM_002739.3); short protein forms R41P.
Identifiers: ClinVar variation 42132 (VCV000042132.4), dbSNP rs386134158, ClinGen allele CA344589.
Genomic context (GRCh38, chr19:53,882,616, plus strand): 5'-GAAAGGGGGCCCTGAGGCAGAAGGTGGTCCACGAAGTCAAGAGCCACAAGTTCACCGCTC[G>C]CTTCTTCAAGCAGCCCACCTTCTGCAGCCACTGCACCGACTTCATCTGGTGAGGGAAGGG-3'
Protein context (NP_002730.1, residues 31-51): HEVKSHKFTA[Arg41Pro]FFKQPTFCSH